The following is an entry in ClinVar:

NM_000218.3(KCNQ1):c.*350G>A

Genes: KCNQ1-AS1 (KCNQ1 antisense RNA 1; minus strand), KCNQ1 (potassium voltage-gated channel subfamily Q member 1; plus strand). Cytogenetic location: 11p15.4.
Variant type: single nucleotide variant.
Coding change: c.*350G>A on transcript NM_000218.3 (MANE Select); 350 bases downstream of the stop codon, G replaced by A.
Molecular consequence: 3 prime UTR variant.
Genome position (GRCh38, 1-based): chr11:2,848,353, G>A. VCF-style: chr11-2848353-G-A. GRCh37 (hg19) VCF-style: chr11-2869583-G-A.
Other names: c.*350G>A (NM_001406836.1, NM_001406837.1, NM_001406838.1 and 2 more transcripts).
Identifiers: ClinVar variation 304242 (VCV000304242.9), dbSNP rs114877430, ClinGen allele CA035118.

ClinVar aggregate classification (germline): Benign/Likely benign. Review status: criteria provided, multiple submitters, no conflicts (2 of 4 stars). 5 submissions from 2 submitters: Benign (2); Likely benign (3). Last evaluated 2021-09-01.

Conditions:
Jervell and Lange-Nielsen syndrome 1 (JLNS1). Also called: CARDIOAUDITORY SYNDROME OF JERVELL AND LANGE-NIELSEN; DEAFNESS, CONGENITAL, AND FUNCTIONAL HEART DISEASE; PROLONGED QT INTERVAL IN EKG AND SUDDEN DEATH; SURDO-CARDIAC SYNDROME. Identifiers: Orphanet 768, Orphanet 90647, MedGen C4551509, MONDO:0024540, OMIM 220400.
Short QT syndrome type 2. Identifiers: Orphanet 51083, MedGen C1865019, MONDO:0012313, OMIM 609621.
Atrial fibrillation, familial, 3 (ATFB3). Identifiers: MedGen C1837014, MONDO:0011857, OMIM 607554.
Long QT syndrome 1 (LQT1). Identifiers: Orphanet 101016, Orphanet 768, MedGen C4551647, MONDO:0100316, OMIM 192500, MONDO:0008646.

Allele frequency attached by ClinVar (database versions not stated): ExAC 0.00051; gnomAD 0.00527; TOPMed 0.00602; 1000 Genomes Project 0.00759; 1000 Genomes Project 30x 0.00812.
gnomAD v4.1: 1,169 of 548,788 alleles (0.21%); highest among the groups gnomAD compares: African/African-American, 1.9%; 10 homozygotes.

Submissions (5):

GeneDx
Classification: Likely benign. Last evaluated: 2021-09-01. Review status: criteria provided, single submitter. Criteria: GeneDx Variant Classification Process June 2021. Collection method: clinical testing. Allele origin: germline. Affected: yes.

Illumina Laboratory Services, Illumina
Classification: Likely benign for Long QT syndrome 1. Last evaluated: 2018-01-12. Review status: criteria provided, single submitter. Criteria: ICSL Variant Classification Criteria 13 December 2019. Collection method: clinical testing. Allele origin: germline.
Comment: This variant was observed in the ICSL laboratory as part of a predisposition screen in an ostensibly healthy population. It had not been previously curated by ICSL or reported in the Human Gene Mutation Database (HGMD: prior to June 1st, 2018), and was therefore a candidate for classification through an automated scoring system. Utilizing variant allele frequency, disease prevalence and penetrance estimates, and inheritance mode, an automated score was calculated to assess if this variant is too frequent to cause the disease. Based on the score and internal cut-off values, a variant classified as likely benign is not then subjected to further curation. The score for this variant resulted in a classification of likely benign for this disease.

Illumina Laboratory Services, Illumina
Classification: Benign for Short QT syndrome type 2. Last evaluated: 2018-01-12. Review status: criteria provided, single submitter. Criteria: ICSL Variant Classification Criteria 13 December 2019. Collection method: clinical testing. Allele origin: germline.
Comment: This variant was observed in the ICSL laboratory as part of a predisposition screen in an ostensibly healthy population. It had not been previously curated by ICSL or reported in the Human Gene Mutation Database (HGMD: prior to June 1st, 2018), and was therefore a candidate for classification through an automated scoring system. Utilizing variant allele frequency, disease prevalence and penetrance estimates, and inheritance mode, an automated score was calculated to assess if this variant is too frequent to cause the disease. Based on the score and internal cut-off values, a variant classified as benign is not then subjected to further curation. The score for this variant resulted in a classification of benign for this disease.

Illumina Laboratory Services, Illumina
Classification: Likely benign for Atrial fibrillation, familial, 3. Last evaluated: 2018-01-12. Review status: criteria provided, single submitter. Criteria: ICSL Variant Classification Criteria 13 December 2019. Collection method: clinical testing. Allele origin: germline.
Comment: the same text as in the submission from Illumina Laboratory Services, Illumina above.

Illumina Laboratory Services, Illumina
Classification: Benign for Jervell and Lange-Nielsen syndrome 1. Last evaluated: 2018-01-12. Review status: criteria provided, single submitter. Criteria: ICSL Variant Classification Criteria 13 December 2019. Collection method: clinical testing. Allele origin: germline.
Comment: the same text as in the submission from Illumina Laboratory Services, Illumina above.